The following is an entry in ClinVar:

ClinVar aggregate classification (germline): Likely benign. Review status: criteria provided, multiple submitters, no conflicts (2 of 4 stars). 2 submissions from 2 submitters: Likely benign (2). Last evaluated 2018-06-14.

Allele frequency attached by ClinVar (database versions not stated): TOPMed 0.01090; gnomAD 0.01260 and 0.01326; 1000 Genomes Project 30x 0.01483; 1000 Genomes Project 0.01637.
gnomAD v4.1: 13,906 of 892,328 alleles (1.6%); highest among the groups gnomAD compares: East Asian, 3.5%; 160 homozygotes.

Submissions (2):

GeneDx
Classification: Likely benign. Last evaluated: 2018-06-14. Review status: criteria provided, single submitter. Criteria: GeneDx Variant Classification (06012015). Collection method: clinical testing. Allele origin: germline. Affected: yes.
Comment: This variant is considered likely benign or benign based on one or more of the following criteria: it is a conservative change, it occurs at a poorly conserved position in the protein, it is predicted to be benign by multiple in silico algorithms, and/or has population frequency not consistent with disease.

Breakthrough Genomics
Classification: Likely benign. Review status: criteria provided, single submitter. Criteria: ACMG Guidelines, 2015. Collection method: not provided. Allele origin: germline. Inheritance: Autosomal recessive inheritance. Affected: yes.

NM_002474.3(MYH11):c.3651+184C>T

Gene: MYH11 (myosin heavy chain 11; minus strand). Cytogenetic location: 16p13.11.
Variant type: single nucleotide variant.
Coding change: c.3651+184C>T on transcript NM_002474.3 (MANE Select); 184 bases into the intron after coding-DNA position 3651, C replaced by T.
Molecular consequence: intron variant.
Genome position (GRCh38, 1-based): chr16:15,732,380, G>A on the plus strand (C>T on the coding strand, the complement: MYH11 is on the minus strand). VCF-style: chr16-15732380-G-A. GRCh37 (hg19) VCF-style: chr16-15826237-G-A.
Other names: c.3651+184C>T (NM_022844.3); c.3672+184C>T (NM_001040114.2, NM_001040113.2).
Identifiers: ClinVar variation 675267 (VCV000675267.2), dbSNP rs118095801, ClinGen allele CA278618381.